The following is an entry in ClinVar:

ClinVar aggregate classification (germline): Uncertain significance. Review status: criteria provided, multiple submitters, no conflicts (2 of 4 stars). 2 submissions from 2 submitters: Uncertain significance (2). Last evaluated 2022-11-10.

Conditions:
Immunodeficiency 39 (IMD39). Identifiers: Orphanet 574918, MedGen C4225358, MONDO:0014597, OMIM 616345.

Allele frequency attached by ClinVar (database versions not stated): gnomAD exomes below 0.00001.

Submissions (2):

Ambry Genetics
Classification: Uncertain significance. Last evaluated: 2022-11-10. Review status: criteria provided, single submitter. Criteria: Ambry Variant Classification Scheme 2023. Collection method: clinical testing. Allele origin: germline.

Labcorp Genetics (formerly Invitae), Labcorp
Classification: Uncertain significance for Immunodeficiency 39. Last evaluated: 2022-05-25. Review status: criteria provided, single submitter. Criteria: Invitae Variant Classification Sherloc (09022015). Collection method: clinical testing. Allele origin: germline.
Comment: This variant is not present in population databases (gnomAD no frequency). This sequence change replaces arginine, which is basic and polar, with glutamine, which is neutral and polar, at codon 139 of the IRF7 protein (p.Arg139Gln). This variant has not been reported in the literature in individuals affected with IRF7-related conditions. In summary, the available evidence is currently insufficient to determine the role of this variant in disease. Therefore, it has been classified as a Variant of Uncertain Significance. Algorithms developed to predict the effect of missense changes on protein structure and function output the following: SIFT: "Tolerated"; PolyPhen-2: "Benign"; Align-GVGD: "Class C0". The glutamine amino acid residue is found in multiple mammalian species, which suggests that this missense change does not adversely affect protein function. ClinVar contains an entry for this variant (Variation ID: 1006115).

NM_001572.5(IRF7):c.377G>A (p.Arg126Gln)

Gene: IRF7 (interferon regulatory factor 7; minus strand). Cytogenetic location: 11p15.5.
Variant type: single nucleotide variant.
Coding change: c.377G>A on transcript NM_001572.5 (MANE Select); coding-DNA position 377, G replaced by A.
Protein change: p.Arg126Gln; replaces arginine 126 with glutamine.
Molecular consequence: missense variant.
Genome position (GRCh38, 1-based): chr11:614,814, C>T on the plus strand (G>A on the coding strand, the complement: IRF7 is on the minus strand). VCF-style: chr11-614814-C-T. GRCh37 (hg19) VCF-style: chr11-614814-C-T.
Other names: c.377G>A, p.Arg126Gln (NM_004029.4); c.416G>A, p.Arg139Gln (NM_004031.4); c.416G>A (NM_004031.2); short protein forms R126Q, R139Q.
Identifiers: ClinVar variation 1006115 (VCV001006115.9), dbSNP rs1856726037, ClinGen allele CA378982852.